The following is an entry in ClinVar:

NM_004586.3(RPS6KA3):c.2060A>G (p.Gln687Arg)

Gene: RPS6KA3 (ribosomal protein S6 kinase A3; minus strand). Cytogenetic location: Xp22.12.
Variant type: single nucleotide variant.
Coding change: c.2060A>G on transcript NM_004586.3 (MANE Select); coding-DNA position 2060, A replaced by G.
Protein change: p.Gln687Arg; replaces glutamine 687 with arginine.
Molecular consequence: missense variant.
Genome position (GRCh38, 1-based): chrX:20,156,149, T>C on the plus strand (A>G on the coding strand, the complement: RPS6KA3 is on the minus strand). VCF-style: chrX-20156149-T-C. GRCh37 (hg19) VCF-style: chrX-20174267-T-C.
Other names: short protein forms Q687R.
Identifiers: ClinVar variation 3753782 (VCV003753782.2).

ClinVar aggregate classification (germline): Uncertain significance (1 of 4 stars; one submission).

Conditions:
Coffin-Lowry syndrome (CLS). Also called: Mental retardation with osteocartilaginous abnormalities; COFFIN-LOWRY SYNDROME, MILD. Identifiers: Orphanet 192, MedGen C0265252, MONDO:0010561, OMIM 303600.
Intellectual developmental disorder, X-linked 19. Also called: Intellectual disability, X-linked 19. Identifiers: Orphanet 777, MedGen C0796225, MONDO:0010447, OMIM 300844.

Submission:

Labcorp Genetics (formerly Invitae), Labcorp
Classification: Uncertain significance for Coffin-Lowry syndrome; Intellectual developmental disorder, X-linked 19. Last evaluated: 2024-03-18. Review status: criteria provided, single submitter. Criteria: Invitae Variant Classification Sherloc (09022015). Collection method: clinical testing. Allele origin: germline.
Comment: This sequence change replaces glutamine, which is neutral and polar, with arginine, which is basic and polar, at codon 687 of the RPS6KA3 protein (p.Gln687Arg). This variant is not present in population databases (gnomAD no frequency). This variant has not been reported in the literature in individuals affected with RPS6KA3-related conditions. Advanced modeling of protein sequence and biophysical properties (such as structural, functional, and spatial information, amino acid conservation, physicochemical variation, residue mobility, and thermodynamic stability) performed at Invitae indicates that this missense variant is not expected to disrupt RPS6KA3 protein function with a negative predictive value of 95%. In summary, the available evidence is currently insufficient to determine the role of this variant in disease. Therefore, it has been classified as a Variant of Uncertain Significance.